The following is an entry in ClinVar:

NM_016180.5(SLC45A2):c.1048del (p.Asp350fs)

Gene: SLC45A2 (solute carrier family 45 member 2; minus strand). Cytogenetic location: 5p13.2.
Variant type: Deletion.
Coding change: c.1048del on transcript NM_016180.5 (MANE Select); coding-DNA position 1048, one base deleted (G; older notation c.1048delG).
Protein change: p.Asp350fs; shifts the reading frame from aspartic acid 350.
Molecular consequence: frameshift variant.
Genome position (GRCh38, 1-based): chr5:33,951,662, C deleted on the plus strand (G on the coding strand, the reverse complement: SLC45A2 is on the minus strand); the first of 4 consecutive C bases (chr5:33,951,662-33,951,665); deleting any one gives the same sequence. VCF-style (leftmost placement, unchanged base first): chr5-33951661-TC-T. GRCh37 (hg19) VCF-style: chr5-33951766-TC-T.
Other names: c.1048del, p.Asp350fs (NM_001012509.4); c.722del, p.Gly241fs (NM_001297417.4); short protein forms D350fs, G241fs.
Identifiers: ClinVar variation 2794051 (VCV002794051.3), dbSNP rs2478791909, ClinGen allele CA443659245.

ClinVar aggregate classification (germline): Pathogenic (1 of 4 stars; one submission).

Submission:

Labcorp Genetics (formerly Invitae), Labcorp
Classification: Pathogenic. Last evaluated: 2023-02-10. Review status: criteria provided, single submitter. Criteria: Invitae Variant Classification Sherloc (09022015). Collection method: clinical testing. Allele origin: germline.
Comment: This sequence change creates a premature translational stop signal (p.Asp350Ilefs*48) in the SLC45A2 gene. It is expected to result in an absent or disrupted protein product. Loss-of-function variants in SLC45A2 are known to be pathogenic (PMID: 21458243, 26573111). This variant is not present in population databases (gnomAD no frequency). This variant has not been reported in the literature in individuals affected with SLC45A2-related conditions. For these reasons, this variant has been classified as Pathogenic.

Literature cited by the submitters: PubMed 21458243; PubMed 26573111.